The following is an entry in ClinVar:

ClinVar aggregate classification (germline): Uncertain significance (1 of 4 stars; one submission).

Allele frequency attached by ClinVar (database versions not stated): gnomAD exomes below 0.00001.
gnomAD v4.1: 1 of 1,613,652 alleles (0.000062%); highest among the groups gnomAD compares: Non-Finnish European, 0.000085%; no homozygotes.

Submission:

Labcorp Genetics (formerly Invitae), Labcorp
Classification: Uncertain significance. Last evaluated: 2022-12-25. Review status: criteria provided, single submitter. Criteria: Invitae Variant Classification Sherloc (09022015). Collection method: clinical testing. Allele origin: germline.
Comment: Algorithms developed to predict the effect of missense changes on protein structure and function (SIFT, PolyPhen-2, Align-GVGD) all suggest that this variant is likely to be tolerated. In summary, the available evidence is currently insufficient to determine the role of this variant in disease. Therefore, it has been classified as a Variant of Uncertain Significance. ClinVar contains an entry for this variant (Variation ID: 639924). This variant has not been reported in the literature in individuals affected with POLE-related conditions. This variant is not present in population databases (gnomAD no frequency). This sequence change replaces serine, which is neutral and polar, with asparagine, which is neutral and polar, at codon 1650 of the POLE protein (p.Ser1650Asn).

NM_006231.4(POLE):c.4949G>A (p.Ser1650Asn)

Gene: POLE (DNA polymerase epsilon, catalytic subunit; minus strand). Cytogenetic location: 12q24.33.
Variant type: single nucleotide variant.
Coding change: c.4949G>A on transcript NM_006231.4 (MANE Select); coding-DNA position 4949, G replaced by A.
Protein change: p.Ser1650Asn; replaces serine 1650 with asparagine.
Molecular consequence: missense variant.
Genome position (GRCh38, 1-based): chr12:132,642,509, C>T on the plus strand (G>A on the coding strand, the complement: POLE is on the minus strand). VCF-style: chr12-132642509-C-T. GRCh37 (hg19) VCF-style: chr12-133219095-C-T.
Other names: short protein forms S1650N.
Identifiers: ClinVar variation 639924 (VCV000639924.8), dbSNP rs1593730568, ClinGen allele CA387377815.